The following is an entry in ClinVar:

ClinVar aggregate classification (germline): Uncertain significance (1 of 4 stars; one submission).

Submission:

GeneDx
Classification: Uncertain significance. Last evaluated: 2022-06-03. Review status: criteria provided, single submitter. Criteria: GeneDx Variant Classification Process June 2021. Collection method: clinical testing. Allele origin: germline. Affected: yes.
Comment: Not observed at significant frequency in large population cohorts (gnomAD); Missense variants in this gene are often considered pathogenic (HGMD); In silico analysis supports that this missense variant has a deleterious effect on protein structure/function; This substitution is predicted to be within the C-terminal cytoplasmic domain; Has not been previously published as pathogenic or benign to our knowledge

NM_001165963.4(SCN1A):c.5665A>C (p.Met1889Leu)

Genes: SCN1A (sodium voltage-gated channel alpha subunit 1; minus strand), LOC102724058 (uncharacterized LOC102724058; plus strand). Cytogenetic location: 2q24.3.
Variant type: single nucleotide variant.
Coding change: c.5665A>C on transcript NM_001165963.4 (MANE Select); coding-DNA position 5665, A replaced by C.
Protein change: p.Met1889Leu; replaces methionine 1889 with leucine.
Molecular consequence: missense variant. On other transcripts: non-coding transcript variant (1).
Genome position (GRCh38, 1-based): chr2:165,991,610, T>G on the plus strand (A>C on the coding strand, the complement: SCN1A is on the minus strand). VCF-style: chr2-165991610-T-G. GRCh37 (hg19) VCF-style: chr2-166848120-T-G.
Other names: c.5581A>C, p.Met1861Leu (NM_001165964.3, NM_001353957.2, NM_001353958.2); c.5665A>C, p.Met1889Leu (NM_001202435.3, NM_001353948.2); c.5632A>C, p.Met1878Leu (NM_001353949.2, NM_001353950.2, NM_001353951.2 and 2 more transcripts); c.5629A>C, p.Met1877Leu (NM_001353954.2, NM_001353955.2); c.5578A>C, p.Met1860Leu (NM_001353960.2); c.3223A>C, p.Met1075Leu (NM_001353961.2); short protein forms M1075L, M1860L, M1861L, M1877L, M1878L, M1889L.
Identifiers: ClinVar variation 1801957 (VCV001801957.1), dbSNP rs2468328268, ClinGen allele CA349064939.